The following is an entry in ClinVar:

ClinVar aggregate classification (germline): Uncertain significance. Review status: criteria provided, multiple submitters, no conflicts (2 of 4 stars). 2 submissions from 2 submitters: Uncertain significance (2). Last evaluated 2024-04-24.

Allele frequency attached by ClinVar (database versions not stated): gnomAD exomes 0.00011; ExAC 0.00012; 1000 Genomes Project 30x 0.00016; TOPMed 0.00019; 1000 Genomes Project 0.00020.
gnomAD v4.1: 177 of 1,614,004 alleles (0.011%); highest among the groups gnomAD compares: Admixed American, 0.078%; no homozygotes.

Submissions (2):

Ambry Genetics
Classification: Uncertain significance. Last evaluated: 2024-04-24. Review status: criteria provided, single submitter. Criteria: Ambry Variant Classification Scheme 2023. Collection method: clinical testing. Allele origin: germline.

Labcorp Genetics (formerly Invitae), Labcorp
Classification: Uncertain significance. Last evaluated: 2022-04-01. Review status: criteria provided, single submitter. Criteria: Invitae Variant Classification Sherloc (09022015). Collection method: clinical testing. Allele origin: germline.
Comment: This sequence change replaces valine, which is neutral and non-polar, with isoleucine, which is neutral and non-polar, at codon 170 of the NUP85 protein (p.Val170Ile). This variant is present in population databases (rs554489095, gnomAD 0.09%). This variant has not been reported in the literature in individuals affected with NUP85-related conditions. Algorithms developed to predict the effect of missense changes on protein structure and function output the following: SIFT: "Tolerated"; PolyPhen-2: "Benign"; Align-GVGD: "Class C0". The isoleucine amino acid residue is found in multiple mammalian species, which suggests that this missense change does not adversely affect protein function. In summary, the available evidence is currently insufficient to determine the role of this variant in disease. Therefore, it has been classified as a Variant of Uncertain Significance.

NM_024844.5(NUP85):c.508G>A (p.Val170Ile)

Gene: NUP85 (nucleoporin 85; plus strand). Cytogenetic location: 17q25.1.
Variant type: single nucleotide variant.
Coding change: c.508G>A on transcript NM_024844.5 (MANE Select); coding-DNA position 508, G replaced by A.
Protein change: p.Val170Ile; replaces valine 170 with isoleucine.
Molecular consequence: missense variant.
Genome position (GRCh38, 1-based): chr17:75,218,217, G>A. VCF-style: chr17-75218217-G-A. GRCh37 (hg19) VCF-style: chr17-73214312-G-A.
Other names: c.370G>A, p.Val124Ile (NM_001303276.2); c.508G>A, p.Val170Ile (NM_001330472.2); short protein forms V170I, V124I.
Identifiers: ClinVar variation 2077810 (VCV002077810.3), dbSNP rs554489095, ClinGen allele CA8758520.
Genomic context (GRCh38, chr17:75,218,217, plus strand): 5'-TGTGTGTGATGAGAGTCTCTCCTCCCAGCTGGCCCTCTCCTCCTCCATCTCCTTGACTGG[G>A]TCCGGCTCCATGTGTGCGAGGTGGACAGTTTGTCGGCAGATGTTCTGGGCAGTGAGAATC-3'
Protein context (NP_079120.1, residues 160-180): GPLLLHLLDW[Val170Ile]RLHVCEVDSL